The following is an entry in ClinVar:

ClinVar aggregate classification (germline): Uncertain significance. Review status: criteria provided, multiple submitters, no conflicts (2 of 4 stars). 3 submissions from 3 submitters: Uncertain significance (3). Last evaluated 2025-08-02.

Conditions:
Hereditary cancer-predisposing syndrome. Also called: Tumor predisposition; Neoplastic Syndromes, Hereditary; Hereditary Cancer Syndrome; Hereditary neoplastic syndrome. Identifiers: Orphanet 140162, MedGen C0027672, MeSH D009386, MONDO:0015356.
Tumor predisposition syndrome 3 (TPDS3). Also called: Melanoma, cutaneous malignant, susceptibility to, 10; Glioma susceptibility 9; LONG TELOMERE SYNDROME, POT1-RELATED; POT1 Tumor Predisposition. Identifiers: Orphanet 618, MedGen C4014476, MONDO:0014368, OMIM 615848.

Submissions (3):

Labcorp Genetics (formerly Invitae), Labcorp
Classification: Uncertain significance for Tumor predisposition syndrome 3. Last evaluated: 2025-08-02. Review status: criteria provided, single submitter. Criteria: Invitae Variant Classification Sherloc (09022015). Collection method: clinical testing. Allele origin: germline.
Comment: This variant, c.1075_1077del, results in the deletion of 1 amino acid(s) of the POT1 protein (p.Gln359del), but otherwise preserves the integrity of the reading frame. This variant is not present in population databases (gnomAD no frequency). This variant has not been reported in the literature in individuals affected with POT1-related conditions. ClinVar contains an entry for this variant (Variation ID: 656454). Experimental studies and prediction algorithms are not available or were not evaluated, and the functional significance of this variant is currently unknown. In summary, the available evidence is currently insufficient to determine the role of this variant in disease. Therefore, it has been classified as a Variant of Uncertain Significance.

Quest Diagnostics Nichols Institute San Juan Capistrano
Classification: Uncertain significance. Last evaluated: 2025-01-19. Review status: criteria provided, single submitter. Criteria: Quest Diagnostics criteria. Collection method: clinical testing. Allele origin: unknown.
Comment: The POT1 c.1075_1077del (p.Gln359del) variant has not been reported in individuals with POT1-related conditions in the published literature. It also has not been reported in large, multi-ethnic general populations (Genome Aggregation Database). Based on the available information, we are unable to determine the clinical significance of this variant.

Ambry Genetics
Classification: Uncertain significance for Hereditary cancer-predisposing syndrome. Last evaluated: 2024-03-26. Review status: criteria provided, single submitter. Criteria: Ambry Variant Classification Scheme 2023. Collection method: clinical testing. Allele origin: germline.
Comment: The c.1075_1077delCAA variant (also known as p.Q359del) is located in coding exon 9 of the POT1 gene. This variant results from an in-frame CAA deletion at nucleotide positions 1075 to 1077. This results in the in-frame deletion of a glutamine at codon 359. This amino acid position is well conserved in available vertebrate species. In addition, the in silico prediction for this alteration is inconclusive (Choi Y et al. PLoS ONE. 2012; 7(10):e46688). Since supporting evidence is limited at this time, the clinical significance of this alteration remains unclear.

NM_015450.3(POT1):c.1072CAA[1] (p.Gln359del)

Gene: POT1 (protection of telomeres 1; minus strand). Cytogenetic location: 7q31.33.
Variant type: Microsatellite.
Coding change: c.1072CAA[1] on transcript NM_015450.3 (MANE Select); one copy of the 3-base unit CAA starting at c.1072; the reference has two copies in a row; one copy, 3 bases deleted.
Protein change: p.Gln359del; deletes glutamine 359.
Molecular consequence: inframe deletion. On other transcripts: non-coding transcript variant (3).
Genome position (GRCh38, 1-based): chr7:124,842,893-124,842,895, TTG deleted on the plus strand (CAA on the coding strand, the reverse complement: POT1 is on the minus strand); deleting any 3 consecutive bases within chr7:124,842,893-124,842,898 gives the same sequence; the position shown is the placement nearest the transcript's 3' end. VCF-style (leftmost placement, unchanged base first): chr7-124842892-ATTG-A. GRCh37 (hg19) VCF-style: chr7-124482946-ATTG-A.
Other names: c.1075_1077delCAA (NM_015450.2); c.679CAA[1], p.Gln228del (NM_001042594.2); short protein forms Q359del, Q228del.
Identifiers: ClinVar variation 656454 (VCV000656454.13), dbSNP rs1461765375, ClinGen allele CA832769640.